The following is an entry in ClinVar:

ClinVar aggregate classification (germline): Likely benign (1 of 4 stars; one submission).

Conditions:
Lynch syndrome 5 (LYNCH5). Also called: Colorectal cancer, hereditary nonpolyposis, type 5; Hereditary non-polyposis colorectal cancer, type 5. Identifiers: Orphanet 144, MedGen C1833477, MONDO:0013710, OMIM 614350. Disease mechanism: loss of function.

Submission:

Myriad Genetics, Inc.
Classification: Likely benign for Lynch syndrome 5. Last evaluated: 2025-01-08. Review status: criteria provided, single submitter. Criteria: Myriad Autosomal Dominant, Autosomal Recessive and X-Linked Classification Criteria (2023). Collection method: clinical testing. Allele origin: unknown.
Comment: This variant is considered likely benign. This variant is intronic and is not expected to impact mRNA splicing.

NM_000179.3(MSH6):c.3802-15T>C

Gene: MSH6 (mutS homolog 6; plus strand). Cytogenetic location: 2p16.3.
Variant type: single nucleotide variant.
Coding change: c.3802-15T>C on transcript NM_000179.3 (MANE Select); 15 bases into the intron before coding-DNA position 3802, T replaced by C.
Molecular consequence: intron variant.
Genome position (GRCh38, 1-based): chr2:47,806,437, T>C. VCF-style: chr2-47806437-T-C. GRCh37 (hg19) VCF-style: chr2-48033576-T-C.
Other names: c.3802-15T>C (NM_001406809.1, NM_001406796.1, NM_001406808.1); c.2896-15T>C (NM_001406811.1, NM_001406814.1, NM_001281493.2 and 6 more transcripts); c.3505-15T>C (NM_001406805.1, NM_001406797.1, NM_001406801.1 and 10 more transcripts); c.3898-15T>C (NM_001406795.1); c.3897+79T>C (NM_001406802.1); c.3808-15T>C (NM_001406813.1); c.3277-15T>C (NM_001406807.1, NM_001406799.1, NM_001406806.1); c.3802-28T>C (NM_001406800.1); and 9 more.
Identifiers: ClinVar variation 3903518 (VCV003903518.1).